The following is an entry in ClinVar:

NM_031308.4(EPPK1):c.6620C>T (p.Thr2207Met)

Gene: EPPK1 (epiplakin 1; minus strand). Cytogenetic location: 8q24.3.
Variant type: single nucleotide variant.
Coding change: c.6620C>T on transcript NM_031308.4 (MANE Select); coding-DNA position 6620, C replaced by T.
Protein change: p.Thr2207Met; replaces threonine 2207 with methionine.
Molecular consequence: missense variant.
Genome position (GRCh38, 1-based): chr8:143,866,634, G>A on the plus strand (C>T on the coding strand, the complement: EPPK1 is on the minus strand). VCF-style: chr8-143866634-G-A. GRCh37 (hg19) VCF-style: chr8-144940802-G-A.
Other names: c.6620C>T (NM_031308.1); short protein forms T2207M.
Identifiers: ClinVar variation 3050881 (VCV003050881.3), dbSNP rs183595356, ClinGen allele CA4921653.

ClinVar aggregate classification (germline): Uncertain significance. Review status: criteria provided, single submitter (1 of 4 stars). 2 submissions from 2 submitters: Uncertain significance (1). 1 of the submissions does not count toward it. Last evaluated 2024-07-02.

Conditions:
EPPK1-related disorder. Also called: EPPK1-related condition.

Allele frequency attached by ClinVar (database versions not stated): gnomAD 0.00013; ESP Exome Variant Server 0.00016; 1000 Genomes Project 30x 0.00031; 1000 Genomes Project 0.00040; ExAC 0.00836.
gnomAD v4.1: 220 of 1,613,018 alleles (0.014%); highest among the groups gnomAD compares: Middle Eastern, 0.13%; no homozygotes.

Submissions (2):

Ambry Genetics
Classification: Uncertain significance. Last evaluated: 2024-07-02. Review status: criteria provided, single submitter. Criteria: Ambry Variant Classification Scheme 2023. Collection method: clinical testing. Allele origin: germline.

PreventionGenetics, part of Exact Sciences
Classification: Likely benign for EPPK1-related condition. Last evaluated: 2021-07-15. Review status: no assertion criteria provided. Collection method: clinical testing. Allele origin: germline. Not counted in ClinVar's aggregate classification.
Comment: This variant is classified as likely benign based on ACMG/AMP sequence variant interpretation guidelines (Richards et al. 2015 PMID: 25741868, with internal and published modifications).